The following is an entry in ClinVar:

ClinVar aggregate classification (germline): Uncertain significance (1 of 4 stars; one submission).

Conditions:
Myofibrillar myopathy 5. Also called: Filaminopathy (type); FILAMINOPATHY, AUTOSOMAL DOMINANT. Identifiers: Orphanet 171445, MedGen C1836050, MONDO:0012289, OMIM 609524.
Distal myopathy with posterior leg and anterior hand involvement. Also called: WILLIAMS DISTAL MYOPATHY. Identifiers: Orphanet 63273, MedGen C3279722, MONDO:0013550, OMIM 614065.
Hypertrophic cardiomyopathy 26. Also called: Cardiomyopathy, familial hypertrophic, 26. Identifiers: Orphanet 75249, MedGen C4310749, MONDO:0014883, OMIM 617047.
Dilated Cardiomyopathy, Dominant.

Allele frequency attached by ClinVar (database versions not stated): TOPMed below 0.00001; gnomAD 0.00001.
gnomAD v4.1: 1 of 1,613,978 alleles (0.000062%); highest among the groups gnomAD compares: Non-Finnish European, 0.000085%; no homozygotes.

Submission:

Labcorp Genetics (formerly Invitae), Labcorp
Classification: Uncertain significance for Distal myopathy with posterior leg and anterior hand involvement; Myofibrillar myopathy 5; Hypertrophic cardiomyopathy 26. Last evaluated: 2020-12-14. Review status: criteria provided, single submitter. Criteria: Invitae Variant Classification Sherloc (09022015). Collection method: clinical testing. Allele origin: germline.
Comment: This sequence change replaces isoleucine with valine at codon 2110 of the FLNC protein (p.Ile2110Val). The isoleucine residue is highly conserved and there is a small physicochemical difference between isoleucine and valine. This variant is not present in population databases (ExAC no frequency). This variant has not been reported in the literature in individuals with FLNC-related conditions. Algorithms developed to predict the effect of missense changes on protein structure and function (SIFT, PolyPhen-2, Align-GVGD) all suggest that this variant is likely to be tolerated, but these predictions have not been confirmed by published functional studies and their clinical significance is uncertain. In summary, the available evidence is currently insufficient to determine the role of this variant in disease. Therefore, it has been classified as a Variant of Uncertain Significance.

NM_001458.5(FLNC):c.6328A>G (p.Ile2110Val)

Genes: FLNC (filamin C; plus strand), FLNC-AS1 (FLNC antisense RNA 1; minus strand). Cytogenetic location: 7q32.1.
Variant type: single nucleotide variant.
Coding change: c.6328A>G on transcript NM_001458.5 (MANE Select); coding-DNA position 6328, A replaced by G.
Protein change: p.Ile2110Val; replaces isoleucine 2110 with valine.
Molecular consequence: missense variant.
Genome position (GRCh38, 1-based): chr7:128,853,588, A>G. VCF-style: chr7-128853588-A-G. GRCh37 (hg19) VCF-style: chr7-128493642-A-G.
Other names: c.6229A>G, p.Ile2077Val (NM_001127487.2); short protein forms I2077V, I2110V.
Identifiers: ClinVar variation 1371543 (VCV001371543.7), dbSNP rs1236042892, ClinGen allele CA369212219.